The following is an entry in ClinVar:

NM_182895.5(SCARF2):c.694C>G (p.Arg232Gly)

Gene: SCARF2 (scavenger receptor class F member 2; minus strand). Cytogenetic location: 22q11.21.
Variant type: single nucleotide variant.
Coding change: c.694C>G on transcript NM_182895.5 (MANE Select); coding-DNA position 694, C replaced by G.
Protein change: p.Arg232Gly; replaces arginine 232 with glycine.
Molecular consequence: missense variant.
Genome position (GRCh38, 1-based): chr22:20,431,178, G>C on the plus strand (C>G on the coding strand, the complement: SCARF2 is on the minus strand). VCF-style: chr22-20431178-G-C. GRCh37 (hg19) VCF-style: chr22-20785465-G-C.
Other names: c.694C>G, p.Arg232Gly (NM_153334.7); short protein forms R232G.
Identifiers: ClinVar variation 3600775 (VCV003600775.1).

ClinVar aggregate classification (germline): Uncertain significance (1 of 4 stars; one submission).

gnomAD v4.1: 4 of 1,564,572 alleles (0.00026%); highest among the groups gnomAD compares: African/African-American, 0.0054%; no homozygotes.

Submission:

GeneDx
Classification: Uncertain significance. Last evaluated: 2024-07-22. Review status: criteria provided, single submitter. Criteria: GeneDx Variant Classification Process June 2021. Collection method: clinical testing. Allele origin: germline. Affected: yes.
Comment: Not observed at significant frequency in large population cohorts (gnomAD); In silico analysis supports that this missense variant has a deleterious effect on protein structure/function; Has not been previously published as pathogenic or benign to our knowledge